The following is an entry in ClinVar:

ClinVar aggregate classification (germline): Uncertain significance. Review status: criteria provided, multiple submitters, no conflicts (2 of 4 stars). 3 submissions from 3 submitters: Uncertain significance (3). Last evaluated 2024-02-28.

Conditions:
Fanconi anemia (FA). Also called: Fanconi's anemia. Identifiers: Orphanet 84, MedGen C0015625, MeSH D005199, MONDO:0019391.
Inborn genetic diseases. Identifiers: MedGen C0950123, MeSH D030342.
Fanconi anemia complementation group I (FANCI). Also called: FANCI-Related Fanconi Anemia. Identifiers: Orphanet 84, MedGen C1836861, MONDO:0012186, OMIM 609053.

Allele frequency attached by ClinVar (database versions not stated): ExAC 0.00002; TOPMed 0.00002; gnomAD 0.00003; gnomAD exomes 0.00003.
gnomAD v4.1: 28 of 1,613,988 alleles (0.0017%); highest among the groups gnomAD compares: Non-Finnish European, 0.0017%; no homozygotes.

Submissions (3):

Fulgent Genetics
Classification: Uncertain significance for Fanconi anemia complementation group I. Last evaluated: 2024-02-28. Review status: criteria provided, single submitter. Criteria: ACMG Guidelines, 2015. Collection method: clinical testing. Allele origin: germline.

Labcorp Genetics (formerly Invitae), Labcorp
Classification: Uncertain significance for Fanconi anemia. Last evaluated: 2024-02-21. Review status: criteria provided, single submitter. Criteria: Invitae Variant Classification Sherloc (09022015). Collection method: clinical testing. Allele origin: germline.
Comment: This sequence change replaces glutamine, which is neutral and polar, with glutamic acid, which is acidic and polar, at codon 1091 of the FANCI protein (p.Gln1091Glu). This variant is present in population databases (rs578060150, gnomAD 0.04%). This variant has not been reported in the literature in individuals affected with FANCI-related conditions. ClinVar contains an entry for this variant (Variation ID: 1054001). An algorithm developed to predict the effect of missense changes on protein structure and function (PolyPhen-2) suggests that this variant is likely to be tolerated. In summary, the available evidence is currently insufficient to determine the role of this variant in disease. Therefore, it has been classified as a Variant of Uncertain Significance.

Ambry Genetics
Classification: Uncertain significance for Inborn genetic diseases. Last evaluated: 2023-04-20. Review status: criteria provided, single submitter. Criteria: Ambry Variant Classification Scheme 2023. Collection method: clinical testing. Allele origin: germline.

NM_001113378.2(FANCI):c.3271C>G (p.Gln1091Glu)

Gene: FANCI (FA complementation group I; plus strand). Cytogenetic location: 15q26.1.
Variant type: single nucleotide variant.
Coding change: c.3271C>G on transcript NM_001113378.2 (MANE Select); coding-DNA position 3271, C replaced by G.
Protein change: p.Gln1091Glu; replaces glutamine 1091 with glutamic acid.
Molecular consequence: missense variant.
Genome position (GRCh38, 1-based): chr15:89,305,620, C>G. VCF-style: chr15-89305620-C-G. GRCh37 (hg19) VCF-style: chr15-89848851-C-G.
Other names: c.3271C>G (NM_001113378.1); c.2992C>G, p.Gln998Glu (NM_001376910.1); c.3271C>G, p.Gln1091Glu (NM_001376911.1); c.3091C>G, p.Gln1031Glu (NM_018193.3); short protein forms Q1031E, Q1091E, Q998E.
Identifiers: ClinVar variation 1054001 (VCV001054001.10), dbSNP rs578060150, ClinGen allele CA7723668.